The following is an entry in ClinVar:

NM_006005.3(WFS1):c.1684G>C (p.Gly562Arg)

Gene: WFS1 (wolframin ER transmembrane glycoprotein; plus strand). Cytogenetic location: 4p16.1.
Variant type: single nucleotide variant.
Coding change: c.1684G>C on transcript NM_006005.3 (MANE Select); coding-DNA position 1684, G replaced by C.
Protein change: p.Gly562Arg; replaces glycine 562 with arginine.
Molecular consequence: missense variant.
Genome position (GRCh38, 1-based): chr4:6,301,479, G>C. VCF-style: chr4-6301479-G-C. GRCh37 (hg19) VCF-style: chr4-6303206-G-C.
Other names: p.G562R:GGC>CGC; c.1684G>C, p.Gly562Arg (NM_001145853.1); short protein forms G562R.
Identifiers: ClinVar variation 215392 (VCV000215392.3), dbSNP rs753237278, ClinGen allele CA322818.
Genomic context (GRCh38, chr4:6,301,479, plus strand): 5'-GAGCTCTCCGTGGTCATCCTGCTGGAGTCCACCGGCCTGGGGCTGCTCCGCGCCTCCATC[G>C]GCTACTTCCTCTTCCTCTTTGCCCTCCCCATCCTGGTGGCCGGCCTGGCCCTGGTGGGCG-3'
Protein context (NP_005996.2, residues 552-572): TGLGLLRASI[Gly562Arg]YFLFLFALPI

ClinVar aggregate classification (germline): Likely pathogenic/Likely risk allele. Review status: criteria provided, multiple submitters, no conflicts (2 of 4 stars). 2 submissions from 2 submitters: Likely pathogenic (1); Likely risk allele (1). Last evaluated 2016-09-28.

Conditions:
Wolfram syndrome 1 (WFS1). Identifiers: Orphanet 3463, MedGen C4551693, MONDO:0009101, OMIM 222300.

Submissions (2):

GeneDx
Classification: Likely pathogenic. Last evaluated: 2016-09-28. Review status: criteria provided, single submitter. Criteria: GeneDx Variant Classification (06012015). Collection method: clinical testing. Allele origin: germline. Affected: yes.
Comment: The p.Gly562Arg (GGC>CGC): c.1684 G>C in exon 8 of the WFS1 gene (NM_006005.3) G562R has not been published as a pathogenic variant, nor has it been reported as a benign polymorphism to our knowledge. The G562R variant was not observed in approximately 6,500 individuals of European and African American ancestry in the NHLBI Exome Sequencing Project, indicating it is not a common benign variant in these populations. The G562R variant is a non-conservative amino acid substitution, which is likely to impact secondary protein structure as these residues differ in polarity, charge, size and/or other properties. This substitution occurs at a position that is conserved across species and most in silico analysis predict this variant is probably damaging to the protein structure/function. Missense mutations in nearby residues (L557F, R558H) have been reported as pathogenic supporting the functional importance of this region of the protein. Therefore, this variant is a strong candidate for a pathogenic variant, however the possibility that it is a benign variant cannot be excluded.

Clinical Genomics, Uppaluri K&H Personalized Medicine Clinic
Classification: Likely risk allele for Wolfram syndrome 1. Review status: criteria provided, single submitter. Criteria: K & H Uppaluri Personalized Medicine Clinic Variant Classification & Assertion Criteria_Updated V.1. Collection method: research. Allele origin: unknown. Inheritance: Autosomal recessive inheritance.
Comment: Potent mutations in WFS1 gene are associated with Wolfram's syndrome, an autosomal recessive condition, which cause diabetes mellitus, diabetes insipidus, deafness and optic atrophy. However no sufficient evidence is found to ascertain the role of this particular variant rs753237278 in Wolfram's syndrome yet.

Literature cited by the submitters: PubMed 20738327 (cited by Clinical Genomics, Uppaluri K&H Personalized Medicine Clinic); PubMed 33879153 (cited by Clinical Genomics, Uppaluri K&H Personalized Medicine Clinic); PubMed 12955714 (cited by Clinical Genomics, Uppaluri K&H Personalized Medicine Clinic); PubMed 18060660 (cited by Clinical Genomics, Uppaluri K&H Personalized Medicine Clinic); PubMed 20301750 (cited by Clinical Genomics, Uppaluri K&H Personalized Medicine Clinic); PubMed 17603484 (cited by Clinical Genomics, Uppaluri K&H Personalized Medicine Clinic).